The following is an entry in ClinVar:

ClinVar aggregate classification (germline): Uncertain significance (1 of 4 stars; one submission).

Conditions:
Atrioventricular septal defect 5 (AVSD5). Identifiers: MedGen C3280939, MONDO:0013769, OMIM 614474.

Submission:

Labcorp Genetics (formerly Invitae), Labcorp
Classification: Uncertain significance for Atrioventricular septal defect 5. Last evaluated: 2025-08-24. Review status: criteria provided, single submitter. Criteria: Invitae Variant Classification Sherloc (09022015). Collection method: clinical testing. Allele origin: germline.
Comment: This sequence change replaces glycine, which is neutral and non-polar, with serine, which is neutral and polar, at codon 7 of the GATA6 protein (p.Gly7Ser). This variant is not present in population databases (gnomAD no frequency). This variant has not been reported in the literature in individuals affected with GATA6-related conditions. ClinVar contains an entry for this variant (Variation ID: 2911583). An algorithm developed to predict the effect of missense changes on protein structure and function outputs the following: PolyPhen-2: "Benign". The serine amino acid residue is found in multiple mammalian species, which suggests that this missense change does not adversely affect protein function. In summary, the available evidence is currently insufficient to determine the role of this variant in disease. Therefore, it has been classified as a Variant of Uncertain Significance.

NM_005257.6(GATA6):c.19G>A (p.Gly7Ser)

Gene: GATA6 (GATA binding protein 6; plus strand). Cytogenetic location: 18q11.2.
Variant type: single nucleotide variant.
Coding change: c.19G>A on transcript NM_005257.6 (MANE Select); coding-DNA position 19, G replaced by A.
Protein change: p.Gly7Ser; replaces glycine 7 with serine.
Molecular consequence: missense variant.
Genome position (GRCh38, 1-based): chr18:22,171,163, G>A. VCF-style: chr18-22171163-G-A. GRCh37 (hg19) VCF-style: chr18-19751124-G-A.
Other names: short protein forms G7S.
Identifiers: ClinVar variation 2911583 (VCV002911583.3), dbSNP rs1453414298, ClinGen allele CA401798297.
Genomic context (GRCh38, chr18:22,171,163, plus strand): 5'-CTCAGGAGCTAGACGTCAGCTTGGAGCGGCGCCGGACCGTGGATGGCCTTGACTGACGGC[G>A]GCTGGTGCTTGCCGAAGCGCTTCGGGGCCGCGGGTGCGGACGCCAGCGACTCCAGAGCCT-3'
Protein context (NP_005248.2, residues 1-17): MALTDG[Gly7Ser]WCLPKRFGAA